The following is an entry in ClinVar:

NM_000020.3(ACVRL1):c.1044C>G (p.Asp348Glu)

Gene: ACVRL1 (activin A receptor like type 1; plus strand). Cytogenetic location: 12q13.13.
Variant type: single nucleotide variant.
Coding change: c.1044C>G on transcript NM_000020.3 (MANE Select); coding-DNA position 1044, C replaced by G.
Protein change: p.Asp348Glu; replaces aspartic acid 348 with glutamic acid.
Molecular consequence: missense variant.
Genome position (GRCh38, 1-based): chr12:51,915,496, C>G. VCF-style: chr12-51915496-C-G. GRCh37 (hg19) VCF-style: chr12-52309280-C-G.
Other names: c.1044C>G, p.Asp348Glu (NM_001077401.2, NM_001406487.1, NM_001406488.1 and 1 more transcripts); c.732C>G, p.Asp244Glu (NM_001406490.1, NM_001406491.1, NM_001406492.1 and 2 more transcripts); c.480C>G, p.Asp160Glu (NM_001406495.1); short protein forms D160E, D244E, D348E.
Identifiers: ClinVar variation 1944271 (VCV001944271.5), dbSNP rs2540165022, ClinGen allele CA384901850.

ClinVar aggregate classification (germline): Pathogenic (1 of 4 stars; one submission).

Conditions:
Telangiectasia, hereditary hemorrhagic, type 2 (HHT2). Also called: ACVRL1-Related Hereditary Hemorrhagic Telangiectasia; Telangiectasia, hereditary hemorrhagic, type II. Identifiers: Orphanet 774, MedGen C1838163, MONDO:0010880, OMIM 600376. Disease mechanism: loss of function.

Submission:

Labcorp Genetics (formerly Invitae), Labcorp
Classification: Pathogenic for Telangiectasia, hereditary hemorrhagic, type 2. Last evaluated: 2025-05-16. Review status: criteria provided, single submitter. Criteria: Invitae Variant Classification Sherloc (09022015). Collection method: clinical testing. Allele origin: germline.
Comment: This sequence change replaces aspartic acid, which is acidic and polar, with glutamic acid, which is acidic and polar, at codon 348 of the ACVRL1 protein (p.Asp348Glu). This variant is not present in population databases (gnomAD no frequency). This missense change has been observed in individual(s) with hereditary hemorrhagic telangiectasia (internal data). ClinVar contains an entry for this variant (Variation ID: 1944271). Invitae Evidence Modeling of protein sequence and biophysical properties (such as structural, functional, and spatial information, amino acid conservation, physicochemical variation, residue mobility, and thermodynamic stability) indicates that this missense variant is expected to disrupt ACVRL1 protein function with a positive predictive value of 95%. This variant disrupts the p.Asp348 amino acid residue in ACVRL1. Other variant(s) that disrupt this residue have been observed in individuals with ACVRL1-related conditions (PMID: 31400083; internal data), which suggests that this may be a clinically significant amino acid residue. For these reasons, this variant has been classified as Pathogenic.

Literature cited by the submitters: PubMed 31400083.